The following is an entry in ClinVar:

ClinVar aggregate classification (germline): Pathogenic (1 of 4 stars; one submission).

Conditions:
Hereditary breast ovarian cancer syndrome. Also called: Hereditary breast and ovarian cancer syndrome; Hereditary breast and ovarian cancer; Hereditary breast and ovarian cancer syndrome (HBOC); Breast and ovarian cancer; Hereditary breast and/or ovarian cancer syndrome; BRCA1- and BRCA2-Associated Hereditary Breast and Ovarian Cancer. Identifiers: Orphanet 145, MedGen C0677776, MeSH D061325, MONDO:0003582. Disease mechanism: loss of function.

Submission:

Labcorp Genetics (formerly Invitae), Labcorp
Classification: Pathogenic for Hereditary breast ovarian cancer syndrome. Last evaluated: 2020-09-16. Review status: criteria provided, single submitter. Criteria: Invitae Variant Classification Sherloc (09022015). Collection method: clinical testing. Allele origin: unknown.
Comment: For these reasons, this variant has been classified as Pathogenic. Loss-of-function variants in BRCA2 are known to be pathogenic (PMID: 20104584). This variant disrupts the p.Trp31 amino acid residue in BRCA2. Other variant(s) that disrupt this residue have been determined to be pathogenic (PMID: 22678057, 16793542, 22678057, 24285729, 20215541). This suggests that this residue is clinically significant, and that variants that disrupt this residue are likely to be disease-causing. This variant has not been reported in the literature in individuals with BRCA2-related conditions. This variant results in the deletion of 3-10 and part of exon 11 (c.68-1051_3934del) of the BRCA2 gene. It is expected to disrupt RNA splicing and likely results in an absent or disrupted protein product.

Literature cited by the submitters: PubMed 20104584; PubMed 22678057; PubMed 16793542; PubMed 24285729; PubMed 20215541.

NC_000013.10:g.(?_32892159)_(32912422_?)del

Gene: BRCA2 (BRCA2 DNA repair associated; plus strand). Cytogenetic location: 13q13.1.
Variant type: Deletion.
Identifiers: ClinVar variation 3244170 (VCV003244170.1).